The following is an entry in ClinVar:

NM_004415.4(DSP):c.8041_8042del (p.Asp2681fs)

Gene: DSP (desmoplakin; plus strand). Cytogenetic location: 6p24.3.
Variant type: Deletion.
Coding change: c.8041_8042del on transcript NM_004415.4 (MANE Select); coding-DNA positions 8041 to 8042, 2 bases deleted (GA; older notation c.8041_8042delGA).
Protein change: p.Asp2681fs; shifts the reading frame from aspartic acid 2681.
Molecular consequence: frameshift variant.
Genome position (GRCh38, 1-based): chr6:7,585,303-7,585,304, GA deleted. VCF-style (leftmost placement, unchanged base first): chr6-7585302-TGA-T. GRCh37 (hg19) VCF-style: chr6-7585535-TGA-T.
Other names: c.6244_6245del, p.Asp2082fs (NM_001008844.3); c.6712_6713del, p.Asp2238fs (NM_001319034.2); short protein forms D2238fs, D2681fs, D2082fs.
Identifiers: ClinVar variation 2943940 (VCV002943940.3), dbSNP rs2533949247, ClinGen allele CA2740094266.

ClinVar aggregate classification (germline): Pathogenic (1 of 4 stars; one submission).

Conditions:
Arrhythmogenic cardiomyopathy with wooly hair and keratoderma. Also called: Arrhythmogenic cardiomyopathy with woolly hair and keratoderma; PALMOPLANTAR KERATODERMA WITH LEFT VENTRICULAR CARDIOMYOPATHY AND WOOLLY HAIR; Carvajal syndrome; Dilated cardiomyopathy with woolly hair and keratoderma. Identifiers: Orphanet 65282, MedGen C1854063, MONDO:0011581, OMIM 605676.
Arrhythmogenic right ventricular dysplasia 8 (ARVD8). Also called: Arrhythmogenic Right Ventricular Dysplasia/Cardiomyopathy 8; ARRHYTHMOGENIC RIGHT VENTRICULAR DYSPLASIA, FAMILIAL, 8; ARRHYTHMOGENIC RIGHT VENTRICULAR CARDIOMYOPATHY 8. Identifiers: MedGen C1843896, MONDO:0011831, OMIM 607450.

Submission:

Labcorp Genetics (formerly Invitae), Labcorp
Classification: Pathogenic for Arrhythmogenic cardiomyopathy with wooly hair and keratoderma; Arrhythmogenic right ventricular dysplasia 8. Last evaluated: 2023-04-23. Review status: criteria provided, single submitter. Criteria: Invitae Variant Classification Sherloc (09022015). Collection method: clinical testing. Allele origin: germline.
Comment: This sequence change creates a premature translational stop signal (p.Asp2681Profs*40) in the DSP gene. While this is not anticipated to result in nonsense mediated decay, it is expected to disrupt the last 191 amino acid(s) of the DSP protein. This variant is not present in population databases (gnomAD no frequency). This variant has not been reported in the literature in individuals affected with DSP-related conditions. This variant disrupts a region of the DSP protein in which other variant(s) (p.Glu2728Glyfs*11) have been determined to be pathogenic (Invitae). This suggests that this is a clinically significant region of the protein, and that variants that disrupt it are likely to be disease-causing. For these reasons, this variant has been classified as Pathogenic.